The following is an entry in ClinVar:

NM_004304.5(ALK):c.3348C>A (p.Ile1116=)

Gene: ALK (ALK receptor tyrosine kinase; minus strand). Cytogenetic location: 2p23.2.
Variant type: single nucleotide variant.
Coding change: c.3348C>A on transcript NM_004304.5 (MANE Select); coding-DNA position 3348, C replaced by A.
Protein change: p.Ile1116=; no amino-acid change (isoleucine 1116 retained).
Molecular consequence: synonymous variant.
Genome position (GRCh38, 1-based): chr2:29,223,353, G>T on the plus strand (C>A on the coding strand, the complement: ALK is on the minus strand). VCF-style: chr2-29223353-G-T. GRCh37 (hg19) VCF-style: chr2-29446219-G-T.
Other names: c.144C>A, p.Ile48= (NM_001353765.2).
Identifiers: ClinVar variation 697492 (VCV000697492.14), dbSNP rs374587233, ClinGen allele CA1594003.

ClinVar aggregate classification (germline): Conflicting classifications of pathogenicity. Review status: criteria provided, conflicting classifications (1 of 4 stars). 3 submissions from 3 submitters: Uncertain significance (1); Likely benign (2). Last evaluated 2025-12-24.

Conditions:
Hereditary cancer-predisposing syndrome. Also called: Tumor predisposition; Hereditary neoplastic syndrome; Hereditary Cancer Syndrome; Neoplastic Syndromes, Hereditary. Identifiers: Orphanet 140162, MedGen C0027672, MeSH D009386, MONDO:0015356.
Neuroblastoma, susceptibility to, 3. Also called: ALK-Related Neuroblastic Tumor Susceptibility. Identifiers: Orphanet 635, MedGen C2751681, MONDO:0013083, OMIM 613014.

Allele frequency attached by ClinVar (database versions not stated): gnomAD exomes below 0.00001; ExAC 0.00001; gnomAD 0.00001; TOPMed 0.00002; ESP Exome Variant Server 0.00008.
gnomAD v4.1: 5 of 1,613,996 alleles (0.00031%); highest among the groups gnomAD compares: Non-Finnish European, 0.00042%; no homozygotes.

Submissions (3):

Labcorp Genetics (formerly Invitae), Labcorp
Classification: Likely benign for Neuroblastoma, susceptibility to, 3. Last evaluated: 2025-12-24. Review status: criteria provided, single submitter. Criteria: Invitae Variant Classification Sherloc (09022015). Collection method: clinical testing. Allele origin: germline.

GeneDx
Classification: Uncertain significance. Last evaluated: 2023-11-08. Review status: criteria provided, single submitter. Criteria: GeneDx Variant Classification Process June 2021. Collection method: clinical testing. Allele origin: germline. Affected: yes.
Comment: Not observed at significant frequency in large population cohorts (gnomAD); In silico analysis supports that this variant does not alter splicing; Has not been previously published as pathogenic or benign to our knowledge

Ambry Genetics
Classification: Likely benign for Hereditary cancer-predisposing syndrome. Last evaluated: 2020-05-22. Review status: criteria provided, single submitter. Criteria: Ambry Variant Classification Scheme 2023. Collection method: clinical testing. Allele origin: germline.